The following is an entry in ClinVar:

NM_015158.5(KANK1):c.3686A>T (p.Lys1229Ile)

Gene: KANK1 (KN motif and ankyrin repeat domains 1; plus strand). Cytogenetic location: 9p24.3.
Variant type: single nucleotide variant.
Coding change: c.3686A>T on transcript NM_015158.5 (MANE Select); coding-DNA position 3686, A replaced by T.
Protein change: p.Lys1229Ile; replaces lysine 1229 with isoleucine.
Molecular consequence: missense variant. On other transcripts: non-coding transcript variant (1).
Genome position (GRCh38, 1-based): chr9:740,924, A>T. VCF-style: chr9-740924-A-T. GRCh37 (hg19) VCF-style: chr9-740924-A-T.
Other names: c.3686A>T, p.Lys1229Ile (NM_001256876.3, NM_001256877.3, NM_001354334.2); c.3446A>T, p.Lys1149Ile (NM_001354331.2); c.3632A>T, p.Lys1211Ile (NM_001354332.2); c.3212A>T, p.Lys1071Ile (NM_001354333.2, NM_001354335.2, NM_001354337.2 and 2 more transcripts); c.2918A>T, p.Lys973Ile (NM_001354336.2); c.3158A>T, p.Lys1053Ile (NM_001354338.2, NM_001354340.2, NM_001354344.2); c.2972A>T, p.Lys991Ile (NM_001354339.2, NM_001354342.2, NM_001354343.2); short protein forms K1053I, K1149I, K1229I, K973I, K1071I, K1211I, K991I.
Identifiers: ClinVar variation 2135196 (VCV002135196.4), dbSNP rs1236549603, ClinGen allele CA372761307.

ClinVar aggregate classification (germline): Uncertain significance (1 of 4 stars; one submission).

gnomAD v4.1: 1 of 1,614,202 alleles (0.000062%); highest among the groups gnomAD compares: Non-Finnish European, 0.000085%; no homozygotes.

Submission:

Labcorp Genetics (formerly Invitae), Labcorp
Classification: Uncertain significance. Last evaluated: 2022-05-07. Review status: criteria provided, single submitter. Criteria: Invitae Variant Classification Sherloc (09022015). Collection method: clinical testing. Allele origin: germline.
Comment: In summary, the available evidence is currently insufficient to determine the role of this variant in disease. Therefore, it has been classified as a Variant of Uncertain Significance. Algorithms developed to predict the effect of missense changes on protein structure and function (SIFT, PolyPhen-2, Align-GVGD) all suggest that this variant is likely to be disruptive. This variant has not been reported in the literature in individuals affected with KANK1-related conditions. This variant is present in population databases (no rsID available, gnomAD 0.0009%). This sequence change replaces lysine, which is basic and polar, with isoleucine, which is neutral and non-polar, at codon 1229 of the KANK1 protein (p.Lys1229Ile).